The following is an entry in ClinVar:

ClinVar aggregate classification (germline): Uncertain significance (1 of 4 stars; one submission).

Submission:

CeGaT Center for Human Genetics Tuebingen
Classification: Uncertain significance. Last evaluated: 2023-12-01. Review status: criteria provided, single submitter. Criteria: CeGaT Center For Human Genetics Tuebingen Variant Classification Criteria Version 2. Collection method: clinical testing. Allele origin: germline. Affected: yes. Observed: 1 variant allele.
Comment: TBXT: PM2, PM4:Supporting

NM_001366285.2(TBXT):c.1213GCGGCC[3] (p.Ala408_Thr409insAlaAla)

Gene: TBXT (T-box transcription factor T; minus strand). Cytogenetic location: 6q27.
Variant type: Microsatellite.
Coding change: c.1213GCGGCC[3] on transcript NM_001366285.2 (MANE Select); three copies in a row of the 6-base unit GCGGCC starting at c.1213; the reference has two copies in a row; one copy, 6 bases duplicated.
Protein change: p.Ala408_Thr409insAlaAla.
Molecular consequence: inframe insertion.
Genome position (GRCh38, 1-based): chr6:166,158,402-166,158,407, GGCCGC duplicated on the plus strand (GCGGCC on the coding strand, the reverse complement: TBXT is on the minus strand); duplicating any 6 consecutive bases within chr6:166,158,402-166,158,413 gives the same sequence; the position shown is the placement nearest the transcript's 3' end. VCF-style (leftmost placement, unchanged base first): chr6-166158401-T-TGGCCGC. GRCh37 (hg19) VCF-style: chr6-166571889-T-TGGCCGC.
Other names: c.1036GCGGCC[3], p.Ala349_Thr350insAlaAla (NM_001270484.2); c.1213GCGGCC[3], p.Ala408_Thr409insAlaAla (NM_001366286.2); c.1210GCGGCC[3], p.Ala407_Thr408insAlaAla (NM_003181.4).
Identifiers: ClinVar variation 3026652 (VCV003026652.22), dbSNP rs2482944156, ClinGen allele CA2740091541.